The following is an entry in ClinVar:

NM_001042750.2(STAG2):c.1124T>A (p.Ile375Asn)

Gene: STAG2 (STAG2 cohesin complex component; plus strand). Cytogenetic location: Xq25.
Variant type: single nucleotide variant.
Coding change: c.1124T>A on transcript NM_001042750.2 (MANE Select); coding-DNA position 1124, T replaced by A.
Protein change: p.Ile375Asn; replaces isoleucine 375 with asparagine.
Molecular consequence: missense variant.
Genome position (GRCh38, 1-based): chrX:124,051,322, T>A. VCF-style: chrX-124051322-T-A. GRCh37 (hg19) VCF-style: chrX-123185172-T-A.
Other names: c.1124T>A, p.Ile375Asn (NM_001042749.2, NM_001042751.2, NM_001282418.2 and 13 more transcripts); short protein forms I375N.
Identifiers: ClinVar variation 3775428 (VCV003775428.1).

ClinVar aggregate classification (germline): Uncertain significance (1 of 4 stars; one submission).

Conditions:
Mullegama-Klein-Martinez syndrome. Also called: NEURODEVELOPMENTAL DISORDER, X-LINKED, WITH CRANIOFACIAL ABNORMALITIES. Identifiers: MedGen C5193008, MONDO:0026722, OMIM 301022.

Submission:

3billion
Classification: Uncertain significance for Mullegama-Klein-Martinez syndrome. Last evaluated: 2023-07-10. Review status: criteria provided, single submitter. Criteria: ACMG Guidelines, 2015. Collection method: clinical testing. Allele origin: germline. Affected: yes.
Comment: The variant is not observed in the gnomAD v2.1.1 dataset. Predicted Consequence/Location: Missense variants In silico tool predictions suggest damaging effect of the variant on gene or gene product (REVEL: 0.52; 3Cnet: 0.95). Therefore, this variant is classified as VUS according to the recommendation of ACMG/AMP guideline.